The following is an entry in ClinVar:

NM_001039660.2(IL18BP):c.449G>A (p.Cys150Tyr)

Gene: IL18BP (interleukin 18 binding protein; plus strand). Cytogenetic location: 11q13.4.
Variant type: single nucleotide variant.
Coding change: c.449G>A on transcript NM_001039660.2 (MANE Select); coding-DNA position 449, G replaced by A.
Protein change: p.Cys150Tyr; replaces cysteine 150 with tyrosine.
Molecular consequence: missense variant. On other transcripts: intron variant (2).
Genome position (GRCh38, 1-based): chr11:72,001,494, G>A. VCF-style: chr11-72001494-G-A. GRCh37 (hg19) VCF-style: chr11-71712540-G-A.
Other names: c.449G>A, p.Cys150Tyr (NM_001039659.2, NM_001145057.1, NM_005699.3 and 1 more transcripts); c.379+70G>A (NM_173044.3); c.236-290G>A (NM_001145055.1); short protein forms C150Y.
Identifiers: ClinVar variation 2745978 (VCV002745978.3), dbSNP rs1040709556, ClinGen allele CA224379345.
Genomic context (GRCh38, chr11:72,001,494, plus strand): 5'-TGTGCAAGGCCTTGGTGCTGGAGCAGCTGACCCCTGCCCTGCACAGCACCAACTTCTCCT[G>A]TGTGCTCGTGGACCCTGAACAGGTTGTCCAGCGTCACGTCGTCCTGGCCCAGCTCTGGGT-3'
Protein context (NP_001034749.1, residues 140-160): TPALHSTNFS[Cys150Tyr]VLVDPEQVVQ

ClinVar aggregate classification (germline): Uncertain significance (1 of 4 stars; one submission).

Submission:

Labcorp Genetics (formerly Invitae), Labcorp
Classification: Uncertain significance. Last evaluated: 2023-07-23. Review status: criteria provided, single submitter. Criteria: Invitae Variant Classification Sherloc (09022015). Collection method: clinical testing. Allele origin: germline.
Comment: An algorithm developed to predict the effect of missense changes on protein structure and function (PolyPhen-2) suggests that this variant is likely to be tolerated. In summary, the available evidence is currently insufficient to determine the role of this variant in disease. Therefore, it has been classified as a Variant of Uncertain Significance. This sequence change replaces cysteine, which is neutral and slightly polar, with tyrosine, which is neutral and polar, at codon 150 of the IL18BP protein (p.Cys150Tyr). This variant is not present in population databases (gnomAD no frequency). This variant has not been reported in the literature in individuals affected with IL18BP-related conditions.